The following is an entry in ClinVar:

ClinVar aggregate classification (germline): Uncertain significance (1 of 4 stars; one submission).

Allele frequency attached by ClinVar (database versions not stated): gnomAD exomes below 0.00001; TOPMed below 0.00001.
gnomAD v4.1: 2 of 1,613,658 alleles (0.00012%); highest among the groups gnomAD compares: Non-Finnish European, 0.00017%; no homozygotes.

Submission:

Laboratory for Molecular Medicine, Mass General Brigham Personalized Medicine
Classification: Uncertain significance. Last evaluated: 2017-10-05. Review status: criteria provided, single submitter. Criteria: LMM Criteria. Collection method: clinical testing. Allele origin: germline. Observed: 1 variant allele.
Comment: The p.Tyr2684Cys variant in MYO15A has not been previously reported in individua ls with hearing loss or in large population studies. Computational prediction to ols and conservation analyses suggest that this variant may impact the protein, though this information is not predictive enough to determine pathogenicity. In summary, the clinical significance of the p.Tyr2684Cys variant is uncertain. ACM G/AMP Criteria applied: PP3, PM2 (Richards 2015).

NM_016239.4(MYO15A):c.8051A>G (p.Tyr2684Cys)

Gene: MYO15A (myosin XVA; plus strand). Cytogenetic location: 17p11.2.
Variant type: single nucleotide variant.
Coding change: c.8051A>G on transcript NM_016239.4 (MANE Select); coding-DNA position 8051, A replaced by G.
Protein change: p.Tyr2684Cys; replaces tyrosine 2684 with cysteine.
Molecular consequence: missense variant.
Genome position (GRCh38, 1-based): chr17:18,153,859, A>G. VCF-style: chr17-18153859-A-G. GRCh37 (hg19) VCF-style: chr17-18057173-A-G.
Other names: short protein forms Y2684C.
Identifiers: ClinVar variation 517613 (VCV000517613.4), dbSNP rs1181143893, ClinGen allele CA398624626.